The following is an entry in ClinVar:

ClinVar aggregate classification (germline): Uncertain significance (1 of 4 stars; one submission).

Allele frequency attached by ClinVar (database versions not stated): gnomAD 0.00011; gnomAD exomes 0.00011; TOPMed 0.00013; ExAC 0.00020.
gnomAD v4.1: 168 of 1,514,554 alleles (0.011%); highest among the groups gnomAD compares: Middle Eastern, 0.017%; no homozygotes.

Submission:

GeneDx
Classification: Uncertain significance. Last evaluated: 2022-12-23. Review status: criteria provided, single submitter. Criteria: GeneDx Variant Classification Process June 2021. Collection method: clinical testing. Allele origin: germline. Affected: yes.
Comment: In silico analysis supports that this missense variant has a deleterious effect on protein structure/function; In silico analysis supports a deleterious effect on splicing; Has not been previously published as pathogenic or benign to our knowledge

NM_001367479.1(DNAH14):c.6203G>T (p.Gly2068Val)

Gene: DNAH14 (dynein axonemal heavy chain 14; plus strand). Cytogenetic location: 1q42.12.
Variant type: single nucleotide variant.
Coding change: c.6203G>T on transcript NM_001367479.1 (MANE Select); coding-DNA position 6203, G replaced by T.
Protein change: p.Gly2068Val; replaces glycine 2068 with valine.
Molecular consequence: missense variant.
Genome position (GRCh38, 1-based): chr1:225,206,984, G>T. VCF-style: chr1-225206984-G-T. GRCh37 (hg19) VCF-style: chr1-225394686-G-T.
Other names: NM_001373.1:c.6137G>T; short protein forms G2068V.
Identifiers: ClinVar variation 2506759 (VCV002506759.1), dbSNP rs770736887, ClinGen allele CA1416202.